The following is an entry in ClinVar:

ClinVar aggregate classification (germline): Uncertain significance. Review status: criteria provided, multiple submitters, no conflicts (2 of 4 stars). 2 submissions from 2 submitters: Uncertain significance (2). Last evaluated 2025-04-24.

Conditions:
Hereditary cancer-predisposing syndrome. Also called: Tumor predisposition; Hereditary Cancer Syndrome; Hereditary neoplastic syndrome; Neoplastic Syndromes, Hereditary. Identifiers: Orphanet 140162, MedGen C0027672, MeSH D009386, MONDO:0015356.
Oligodontia-cancer predisposition syndrome. Also called: TOOTH AGENESIS-COLORECTAL CANCER SYNDROME. Identifiers: Orphanet 300576, MedGen C1837750, MONDO:0012075, OMIM 608615. Disease mechanism: loss of function.

Submissions (2):

Ambry Genetics
Classification: Uncertain significance for Hereditary cancer-predisposing syndrome. Last evaluated: 2025-04-24. Review status: criteria provided, single submitter. Criteria: Ambry Variant Classification Scheme 2023. Collection method: clinical testing. Allele origin: germline.
Comment: The p.V514A variant (also known as c.1541T>C), located in coding exon 5 of the AXIN2 gene, results from a T to C substitution at nucleotide position 1541. The valine at codon 514 is replaced by alanine, an amino acid with similar properties. This amino acid position is well conserved in available vertebrate species. In addition, this alteration is predicted to be tolerated by in silico analysis. Based on the available evidence, the clinical significance of this variant remains unclear.

Labcorp Genetics (formerly Invitae), Labcorp
Classification: Uncertain significance for Oligodontia-cancer predisposition syndrome. Last evaluated: 2023-08-27. Review status: criteria provided, single submitter. Criteria: Invitae Variant Classification Sherloc (09022015). Collection method: clinical testing. Allele origin: germline.
Comment: This sequence change replaces valine, which is neutral and non-polar, with alanine, which is neutral and non-polar, at codon 514 of the AXIN2 protein (p.Val514Ala). In summary, the available evidence is currently insufficient to determine the role of this variant in disease. Therefore, it has been classified as a Variant of Uncertain Significance. Advanced modeling of protein sequence and biophysical properties (such as structural, functional, and spatial information, amino acid conservation, physicochemical variation, residue mobility, and thermodynamic stability) performed at Invitae indicates that this missense variant is not expected to disrupt AXIN2 protein function. ClinVar contains an entry for this variant (Variation ID: 1446141). This variant has not been reported in the literature in individuals affected with AXIN2-related conditions. This variant is not present in population databases (gnomAD no frequency).

NM_004655.4(AXIN2):c.1541T>C (p.Val514Ala)

Gene: AXIN2 (axin 2; minus strand). Cytogenetic location: 17q24.1.
Variant type: single nucleotide variant.
Coding change: c.1541T>C on transcript NM_004655.4 (MANE Select); coding-DNA position 1541, T replaced by C.
Protein change: p.Val514Ala; replaces valine 514 with alanine.
Molecular consequence: missense variant.
Genome position (GRCh38, 1-based): chr17:65,537,495, A>G on the plus strand (T>C on the coding strand, the complement: AXIN2 is on the minus strand). VCF-style: chr17-65537495-A-G. GRCh37 (hg19) VCF-style: chr17-63533613-A-G.
Other names: c.1541T>C, p.Val514Ala (NM_001363813.1); c.1541T>C (NM_004655.3); short protein forms V514A.
Identifiers: ClinVar variation 1446141 (VCV001446141.8), dbSNP rs2144459987, ClinGen allele CA400677302.